The following is an entry in ClinVar:

ClinVar aggregate classification (germline): Uncertain significance. Review status: criteria provided, multiple submitters, no conflicts (2 of 4 stars). 4 submissions from 4 submitters: Uncertain significance (4). Last evaluated 2026-03-25.

Conditions:
Hereditary spastic paraplegia 3A (SPG3A). Also called: SPASTIC PARAPLEGIA 3, AUTOSOMAL DOMINANT; FAMILIAL SPASTIC PARAPLEGIA, AUTOSOMAL DOMINANT, 1; SPG3; STRUMPELL DISEASE; Spastic Paraplegia 3A; Spastic paraplegia 3A, autosomal dominant. Identifiers: Orphanet 100984, MedGen C2931355, MONDO:0008437, OMIM 182600.
ATL1-related disorder. Also called: ATL1-related condition.
Inborn genetic diseases. Identifiers: MedGen C0950123, MeSH D030342.

Allele frequency attached by ClinVar (database versions not stated): gnomAD exomes 0.00002; gnomAD 0.00003 and 0.00002; TOPMed 0.00004.
gnomAD v4.1: 107 of 1,613,088 alleles (0.0066%); highest among the groups gnomAD compares: Non-Finnish European, 0.0086%; no homozygotes.

Submissions (4):

GeneDx
Classification: Uncertain significance. Last evaluated: 2026-03-25. Review status: criteria provided, single submitter. Criteria: GeneDx Variant Classification Process June 2021. Collection method: clinical testing. Allele origin: germline.
Comment: In silico analysis suggests that this missense variant does not alter protein structure/function; Has not been previously published as pathogenic or benign to our knowledge; This variant is associated with the following publications: (PMID: 23334294)

Ambry Genetics
Classification: Uncertain significance for Inborn genetic diseases. Last evaluated: 2026-03-17. Review status: criteria provided, single submitter. Criteria: Ambry Variant Classification Scheme 2023. Collection method: clinical testing. Allele origin: germline.

PreventionGenetics, part of Exact Sciences
Classification: Uncertain significance for ATL1-related condition. Last evaluated: 2025-02-26. Review status: criteria provided, single submitter. Criteria: ACMG Guidelines, 2015. Collection method: clinical testing. Allele origin: germline.
Comment: The ATL1 c.701A>G variant is predicted to result in the amino acid substitution p.Lys234Arg. To our knowledge, this variant has not been reported in the literature. This variant is reported in 0.0047% of alleles in individuals of European (non-Finnish) descent in gnomAD. At this time, the clinical significance of this variant is uncertain due to the absence of conclusive functional and genetic evidence.

Labcorp Genetics (formerly Invitae), Labcorp
Classification: Uncertain significance for Hereditary spastic paraplegia 3A. Last evaluated: 2025-01-01. Review status: criteria provided, single submitter. Criteria: Invitae Variant Classification Sherloc (09022015). Collection method: clinical testing. Allele origin: germline.
Comment: This sequence change replaces lysine, which is basic and polar, with arginine, which is basic and polar, at codon 234 of the ATL1 protein (p.Lys234Arg). This variant is present in population databases (rs371579681, gnomAD 0.005%). This variant has not been reported in the literature in individuals affected with ATL1-related conditions. ClinVar contains an entry for this variant (Variation ID: 1057843). Invitae Evidence Modeling of protein sequence and biophysical properties (such as structural, functional, and spatial information, amino acid conservation, physicochemical variation, residue mobility, and thermodynamic stability) has been performed for this missense variant. However, the output from this modeling did not meet the statistical confidence thresholds required to predict the impact of this variant on ATL1 protein function. In summary, the available evidence is currently insufficient to determine the role of this variant in disease. Therefore, it has been classified as a Variant of Uncertain Significance.

NM_015915.5(ATL1):c.701A>G (p.Lys234Arg)

Gene: ATL1 (atlastin GTPase 1; plus strand). Cytogenetic location: 14q22.1.
Variant type: single nucleotide variant.
Coding change: c.701A>G on transcript NM_015915.5 (MANE Select); coding-DNA position 701, A replaced by G.
Protein change: p.Lys234Arg; replaces lysine 234 with arginine.
Molecular consequence: missense variant.
Genome position (GRCh38, 1-based): chr14:50,613,329, A>G. VCF-style: chr14-50613329-A-G. GRCh37 (hg19) VCF-style: chr14-51080047-A-G.
Other names: c.701A>G, p.Lys234Arg (NM_001127713.1, NM_181598.4); short protein forms K234R.
Identifiers: ClinVar variation 1057843 (VCV001057843.12), dbSNP rs371579681, ClinGen allele CA7180320.
Genomic context (GRCh38, chr14:50,613,329, plus strand): 5'-TTCTTGTTCGAGACTGGAGTTTCCCATACGAATTTTCATATGGAGCCGATGGTGGTGCCA[A>G]ATTCTTGGAAAAACGCCTCAAGGTTTGTTAGATATTTAGGTGCATGAAATTTCACTAATA-3'
Protein context (NP_056999.2, residues 224-244): EFSYGADGGA[Lys234Arg]FLEKRLKVSG